The following is an entry in ClinVar:

ClinVar aggregate classification (germline): Likely benign. Review status: criteria provided, multiple submitters, no conflicts (2 of 4 stars). 2 submissions from 2 submitters: Likely benign (2). Last evaluated 2025-07-13.

Allele frequency attached by ClinVar (database versions not stated): gnomAD 0.00001; TOPMed 0.00001; gnomAD exomes 0.00002; ExAC 0.00005; ESP Exome Variant Server 0.00008.
gnomAD v4.1: 36 of 1,613,974 alleles (0.0022%); highest among the groups gnomAD compares: East Asian, 0.045%; no homozygotes.

Submissions (2):

Labcorp Genetics (formerly Invitae), Labcorp
Classification: Likely benign. Last evaluated: 2025-07-13. Review status: criteria provided, single submitter. Criteria: Invitae Variant Classification Sherloc (09022015). Collection method: clinical testing. Allele origin: germline.

CeGaT Center for Human Genetics Tuebingen
Classification: Likely benign. Last evaluated: 2024-07-01. Review status: criteria provided, single submitter. Criteria: CeGaT Center For Human Genetics Tuebingen Variant Classification Criteria Version 2. Collection method: clinical testing. Allele origin: germline. Affected: yes. Observed: 1 variant allele.
Comment: LIG1: BP4, BP7

NM_000234.3(LIG1):c.1797G>A (p.Pro599=)

Gene: LIG1 (DNA ligase 1; minus strand). Cytogenetic location: 19q13.33.
Variant type: single nucleotide variant.
Coding change: c.1797G>A on transcript NM_000234.3 (MANE Select); coding-DNA position 1797, G replaced by A.
Protein change: p.Pro599=; no amino-acid change (proline 599 retained).
Molecular consequence: synonymous variant. On other transcripts: non-coding transcript variant (6).
Genome position (GRCh38, 1-based): chr19:48,131,100, C>T on the plus strand (G>A on the coding strand, the complement: LIG1 is on the minus strand). VCF-style: chr19-48131100-C-T. GRCh37 (hg19) VCF-style: chr19-48634357-C-T.
Other names: c.1704G>A, p.Pro568= (NM_001289063.2); c.1593G>A, p.Pro531= (NM_001289064.2); c.1794G>A, p.Pro598= (NM_001320970.2); c.1707G>A, p.Pro569= (NM_001320971.2).
Identifiers: ClinVar variation 1917604 (VCV001917604.22), dbSNP rs368088071, ClinGen allele CA9546704.